The following is an entry in ClinVar:

ClinVar aggregate classification (germline): Uncertain significance (1 of 4 stars; one submission).

Conditions:
Cardiovascular phenotype. Identifiers: MedGen CN230736.

gnomAD v4.1: 3 of 1,614,232 alleles (0.00019%); highest among the groups gnomAD compares: Non-Finnish European, 0.00025%; no homozygotes.

Submission:

Ambry Genetics
Classification: Uncertain significance for Cardiovascular phenotype. Last evaluated: 2025-04-23. Review status: criteria provided, single submitter. Criteria: Ambry Variant Classification Scheme 2023. Collection method: clinical testing. Allele origin: germline.
Comment: The p.R177G variant (also known as c.529A>G), located in coding exon 4 of the ABCG8 gene, results from an A to G substitution at nucleotide position 529. The arginine at codon 177 is replaced by glycine, an amino acid with dissimilar properties. This amino acid position is conserved. In addition, this alteration is predicted to be tolerated by in silico analysis. Based on the available evidence, the clinical significance of this variant remains unclear.

NM_022437.3(ABCG8):c.529A>G (p.Arg177Gly)

Gene: ABCG8 (ATP binding cassette subfamily G member 8; plus strand). Cytogenetic location: 2p21.
Variant type: single nucleotide variant.
Coding change: c.529A>G on transcript NM_022437.3 (MANE Select); coding-DNA position 529, A replaced by G.
Protein change: p.Arg177Gly; replaces arginine 177 with glycine.
Molecular consequence: missense variant.
Genome position (GRCh38, 1-based): chr2:43,851,790, A>G. VCF-style: chr2-43851790-A-G. GRCh37 (hg19) VCF-style: chr2-44078929-A-G.
Other names: c.529A>G, p.Arg177Gly (NM_001357321.2); short protein forms R177G.
Identifiers: ClinVar variation 3992642 (VCV003992642.1).